The following is an entry in ClinVar:

NM_016070.4(MRPS23):c.294G>A (p.Arg98=)

Gene: MRPS23 (mitochondrial ribosomal protein S23; minus strand). Cytogenetic location: 17q22.
Variant type: single nucleotide variant.
Coding change: c.294G>A on transcript NM_016070.4 (MANE Select); coding-DNA position 294, G replaced by A.
Protein change: p.Arg98=; no amino-acid change (arginine 98 retained).
Molecular consequence: synonymous variant.
Genome position (GRCh38, 1-based): chr17:57,841,052, C>T on the plus strand (G>A on the coding strand, the complement: MRPS23 is on the minus strand). VCF-style: chr17-57841052-C-T. GRCh37 (hg19) VCF-style: chr17-55918413-C-T.
Identifiers: ClinVar variation 3660015 (VCV003660015.2).

ClinVar aggregate classification (germline): Uncertain significance (1 of 4 stars; one submission).

Submission:

Labcorp Genetics (formerly Invitae), Labcorp
Classification: Uncertain significance. Last evaluated: 2024-07-27. Review status: criteria provided, single submitter. Criteria: Invitae Variant Classification Sherloc (09022015). Collection method: clinical testing. Allele origin: germline.
Comment: This sequence change affects codon 98 of the MRPS23 mRNA. It is a 'silent' change, meaning that it does not change the encoded amino acid sequence of the MRPS23 protein. It affects a nucleotide within the consensus splice site. This variant is present in population databases (no rsID available, gnomAD 0.006%). This variant has not been reported in the literature in individuals affected with MRPS23-related conditions. Algorithms developed to predict the effect of sequence changes on RNA splicing suggest that this variant is not likely to affect RNA splicing. In summary, the available evidence is currently insufficient to determine the role of this variant in disease. Therefore, it has been classified as a Variant of Uncertain Significance.